The following is an entry in ClinVar:

ClinVar aggregate classification (germline): Likely benign (0 of 4 stars; one submission).

Conditions:
TREH-related disorder. Also called: TREH-related condition.

Allele frequency attached by ClinVar (database versions not stated): ExAC 0.00001; gnomAD exomes 0.00001; gnomAD 0.00008; TOPMed 0.00009.
gnomAD v4.1: 31 of 1,613,792 alleles (0.0019%); highest among the groups gnomAD compares: African/African-American, 0.023%; no homozygotes.

Submission:

PreventionGenetics, part of Exact Sciences
Classification: Likely benign for TREH-related condition. Last evaluated: 2020-10-21. Review status: no assertion criteria provided. Collection method: clinical testing. Allele origin: germline.
Comment: This variant is classified as likely benign based on ACMG/AMP sequence variant interpretation guidelines (Richards et al. 2015 PMID: 25741868, with internal and published modifications).

NM_007180.3(TREH):c.249G>A (p.Arg83=)

Gene: TREH (trehalase; minus strand). Cytogenetic location: 11q23.3.
Variant type: single nucleotide variant.
Coding change: c.249G>A on transcript NM_007180.3 (MANE Select); coding-DNA position 249, G replaced by A.
Protein change: p.Arg83=; no amino-acid change (arginine 83 retained).
Molecular consequence: synonymous variant.
Genome position (GRCh38, 1-based): chr11:118,663,138, C>T on the plus strand (G>A on the coding strand, the complement: TREH is on the minus strand). VCF-style: chr11-118663138-C-T. GRCh37 (hg19) VCF-style: chr11-118533847-C-T.
Other names: c.249G>A, p.Arg83= (NM_001301065.2).
Identifiers: ClinVar variation 3043327 (VCV003043327.2), dbSNP rs781987530, ClinGen allele CA6308195.